The following is an entry in ClinVar:

ClinVar aggregate classification (germline): Uncertain significance (1 of 4 stars; one submission).

Conditions:
ANKRD17-related disorder. Also called: ANKRD17-related condition.

Submission:

PreventionGenetics, part of Exact Sciences
Classification: Uncertain significance for ANKRD17-related condition. Last evaluated: 2022-08-19. Review status: criteria provided, single submitter. Criteria: ACMG Guidelines, 2015. Collection method: clinical testing. Allele origin: germline.
Comment: The ANKRD17 c.5826G>C variant is predicted to result in the amino acid substitution p.Lys1942Asn. To our knowledge, this variant has not been reported in the literature or in a large population database, indicating this variant is rare. Although we suspect that this variant may be pathogenic, at this time, the clinical significance of this variant is uncertain due to the absence of conclusive functional and genetic evidence.

NM_032217.5(ANKRD17):c.5826G>C (p.Lys1942Asn)

Gene: ANKRD17 (ankyrin repeat domain 17; minus strand). Cytogenetic location: 4q13.3.
Variant type: single nucleotide variant.
Coding change: c.5826G>C on transcript NM_032217.5 (MANE Select); coding-DNA position 5826, G replaced by C.
Protein change: p.Lys1942Asn; replaces lysine 1942 with asparagine.
Molecular consequence: missense variant.
Genome position (GRCh38, 1-based): chr4:73,091,802, C>G on the plus strand (G>C on the coding strand, the complement: ANKRD17 is on the minus strand). VCF-style: chr4-73091802-C-G. GRCh37 (hg19) VCF-style: chr4-73957519-C-G.
Other names: c.5487G>C, p.Lys1829Asn (NM_001286771.3); c.5823G>C, p.Lys1941Asn (NM_015574.2); c.5073G>C, p.Lys1691Asn (NM_198889.3); short protein forms K1691N, K1829N, K1941N, K1942N.
Identifiers: ClinVar variation 2629532 (VCV002629532.1), dbSNP rs2530173604, ClinGen allele CA357216526.